The following is an entry in ClinVar:

NM_006949.4(STXBP2):c.247-380TG[3]

Gene: STXBP2 (syntaxin binding protein 2; plus strand). Cytogenetic location: 19p13.2.
Variant type: Microsatellite.
Coding change: c.247-380TG[3] on transcript NM_006949.4 (MANE Select); three copies in a row of the 2-base unit TG starting at c.247-380; the reference has two copies in a row; one copy, 2 bases duplicated.
Molecular consequence: intron variant.
Genome position (GRCh38, 1-based): chr19:7,640,353-7,640,354, TG duplicated; duplicating any 2 consecutive bases within chr19:7,640,351-7,640,354 gives the same sequence; the position shown is the placement nearest the transcript's 3' end. VCF-style (leftmost placement, unchanged base first): chr19-7640350-C-CTG. GRCh37 (hg19) VCF-style: chr19-7705236-C-CTG.
Other names: c.151-380TG[3] (NM_001414484.1); c.247-347TG[3] (NM_001272034.2); c.247-389TG[3] (NM_001127396.3).
Identifiers: ClinVar variation 2688388 (VCV002688388.2), dbSNP rs35042054, ClinGen allele CA9143399.
Genomic context (GRCh38, chr19:7,640,350, plus strand): 5'-GCATGTGTCTATGTATGTGTGTGCATCTGTGTGTGCGTGTGTATGCGTGTGTGTATGCGT[C>CTG]TGTGCATGTGTGTATGCGTGTGTGTGCGCATCAGTGTCTGCATGTGTGTATATGTGTGTA-3'

ClinVar aggregate classification (germline): Benign (1 of 4 stars; one submission).

Submission:

Unidad de Genómica Garrahan, Hospital de Pediatría Garrahan
Classification: Benign. Last evaluated: 2024-01-24. Review status: criteria provided, single submitter. Criteria: ACMG Guidelines, 2015. Collection method: clinical testing. Allele origin: germline. Affected: no. Observed: 54 variant alleles.
Comment: This variant is classified as Benign based on local population frequency. This variant was detected in 61% of patients studied by a panel of primary immunodeficiencies. Number of patients: 54. Only high quality variants are reported.